The following is an entry in ClinVar:

NM_005257.6(GATA6):c.525G>C (p.Ala175=)

Gene: GATA6 (GATA binding protein 6; plus strand). Cytogenetic location: 18q11.2.
Variant type: single nucleotide variant.
Coding change: c.525G>C on transcript NM_005257.6 (MANE Select); coding-DNA position 525, G replaced by C.
Protein change: p.Ala175=; no amino-acid change (alanine 175 retained).
Molecular consequence: synonymous variant.
Genome position (GRCh38, 1-based): chr18:22,171,669, G>C. VCF-style: chr18-22171669-G-C. GRCh37 (hg19) VCF-style: chr18-19751630-G-C.
Identifiers: ClinVar variation 3044668 (VCV003044668.2), dbSNP rs759587190, ClinGen allele CA503529628.
Genomic context (GRCh38, chr18:22,171,669, plus strand): 5'-CAGCCAGGGTCCGGCCGCCTACGACGGCGCGCCCGGCGGCTTCGTGCACTCTGCGGCCGC[G>C]GCGGCAGCAGCCGCGGCGGCGGCCAGCTCCCCGGTCTACGTGCCCACCACCCGCGTGGGT-3'
Protein context (NP_005248.2, residues 165-185): APGGFVHSAA[Ala175=]AAAAAAAASS

ClinVar aggregate classification (germline): Likely benign (0 of 4 stars; one submission).

Conditions:
GATA6-related disorder. Also called: GATA6-related condition.

gnomAD v4.1: 1 of 1,511,268 alleles (0.000066%); highest among the groups gnomAD compares: Non-Finnish European, 0.000088%; no homozygotes.

Submission:

PreventionGenetics, part of Exact Sciences
Classification: Likely benign for GATA6-related condition. Last evaluated: 2020-02-19. Review status: no assertion criteria provided. Collection method: clinical testing. Allele origin: germline.
Comment: This variant is classified as likely benign based on ACMG/AMP sequence variant interpretation guidelines (Richards et al. 2015 PMID: 25741868, with internal and published modifications).